The following is an entry in ClinVar:

ClinVar aggregate classification (germline): Conflicting classifications of pathogenicity. Review status: criteria provided, conflicting classifications (1 of 4 stars). 3 submissions from 3 submitters: Uncertain significance (1); Likely benign (2). Last evaluated 2025-09-10.

Conditions:
PTH1R-related disorder. Also called: PTH1R-related condition.

Allele frequency attached by ClinVar (database versions not stated): gnomAD exomes below 0.00001 and 0.00001; ExAC 0.00001; TOPMed 0.00002; gnomAD 0.00003.
gnomAD v4.1: 10 of 1,609,000 alleles (0.00062%); highest among the groups gnomAD compares: East Asian, 0.0022%; no homozygotes.

Submissions (3):

Labcorp Genetics (formerly Invitae), Labcorp
Classification: Uncertain significance. Last evaluated: 2025-09-10. Review status: criteria provided, single submitter. Criteria: Invitae Variant Classification Sherloc (09022015). Collection method: clinical testing. Allele origin: germline.
Comment: This sequence change falls in intron 10 of the PTH1R gene. It does not directly change the encoded amino acid sequence of the PTH1R protein. It affects a nucleotide within the consensus splice site. This variant is present in population databases (rs761935210, gnomAD 0.005%). This variant has not been reported in the literature in individuals affected with PTH1R-related conditions. ClinVar contains an entry for this variant (Variation ID: 1525576). Variants that disrupt the consensus splice site are a relatively common cause of aberrant splicing (PMID: 17576681, 9536098). Algorithms developed to predict the effect of sequence changes on RNA splicing suggest that this variant is not likely to affect RNA splicing. In summary, the available evidence is currently insufficient to determine the role of this variant in disease. Therefore, it has been classified as a Variant of Uncertain Significance.

Laboratory of Genetics, Children's Clinical University Hospital Latvia
Classification: Likely benign. Last evaluated: 2025-02-16. Review status: criteria provided, single submitter. Criteria: ACMG Guidelines, 2015. Collection method: clinical testing. Allele origin: germline. Affected: yes.

PreventionGenetics, part of Exact Sciences
Classification: Likely benign for PTH1R-related condition. Last evaluated: 2025-01-11. Review status: criteria provided, single submitter. Criteria: ACMG Guidelines, 2015. Collection method: clinical testing. Allele origin: germline.
Comment: This variant is classified as likely benign based on ACMG/AMP sequence variant interpretation guidelines (Richards et al. 2015 PMID: 25741868, with internal and published modifications).

Literature cited by the submitters: PubMed 17576681 (cited by Labcorp Genetics (formerly Invitae), Labcorp); PubMed 9536098 (cited by Labcorp Genetics (formerly Invitae), Labcorp).

NM_000316.3(PTH1R):c.988+6C>T

Gene: PTH1R (parathyroid hormone 1 receptor; plus strand). Cytogenetic location: 3p21.31.
Variant type: single nucleotide variant.
Coding change: c.988+6C>T on transcript NM_000316.3 (MANE Select); 6 bases into the intron after coding-DNA position 988, C replaced by T.
Molecular consequence: intron variant.
Genome position (GRCh38, 1-based): chr3:46,899,462, C>T. VCF-style: chr3-46899462-C-T. GRCh37 (hg19) VCF-style: chr3-46940952-C-T.
Other names: c.988+6C>T (NM_001184744.1, NM_000316.2).
Identifiers: ClinVar variation 1525576 (VCV001525576.8), dbSNP rs761935210, ClinGen allele CA2359360.
Genomic context (GRCh38, chr3:46,899,462, plus strand): 5'-ATGGCCTTCTTCTCAGAGAAGAAGTACCTGTGGGGCTTCACAGTCTTCGGCTGGGGTACG[C>T]GGGCACAGCGGGTAGCGAGGTGCCGGCAGGGGTGGGACCGTGGGTGACAGGGAGAGGGCA-3'